The following is an entry in ClinVar:

ClinVar aggregate classification (germline): Likely pathogenic. Review status: criteria provided, multiple submitters, no conflicts (2 of 4 stars). 3 submissions from 3 submitters: Likely pathogenic (3). Last evaluated 2023-12-28.

Conditions:
Nephronophthisis 15 (NPHP15). Identifiers: Orphanet 3156, MedGen C3541853, MONDO:0013917, OMIM 614845.
CEP164-related disorder. Also called: CEP164-related condition.

Allele frequency attached by ClinVar (database versions not stated): TOPMed 0.00001.

Submissions (3):

Fulgent Genetics
Classification: Likely pathogenic for Nephronophthisis 15. Last evaluated: 2023-12-28. Review status: criteria provided, single submitter. Criteria: ACMG Guidelines, 2015. Collection method: clinical testing. Allele origin: germline.

Labcorp Genetics (formerly Invitae), Labcorp
Classification: Likely pathogenic for Nephronophthisis 15. Last evaluated: 2022-09-06. Review status: criteria provided, single submitter. Criteria: Invitae Variant Classification Sherloc (09022015). Collection method: clinical testing. Allele origin: germline.
Comment: This sequence change affects a donor splice site in intron 15 of the CEP164 gene. It is expected to disrupt RNA splicing. Variants that disrupt the donor or acceptor splice site typically lead to a loss of protein function (PMID: 16199547), and loss-of-function variants in CEP164 are known to be pathogenic (PMID: 22863007, 28125082, 32367404, 34132027, 34499853). This variant is not present in population databases (gnomAD no frequency). This variant has not been reported in the literature in individuals affected with CEP164-related conditions. ClinVar contains an entry for this variant (Variation ID: 1047792). Algorithms developed to predict the effect of sequence changes on RNA splicing suggest that this variant may disrupt the consensus splice site. In summary, the currently available evidence indicates that the variant is pathogenic, but additional data are needed to prove that conclusively. Therefore, this variant has been classified as Likely Pathogenic.

Blueprint Genetics
Classification: Likely pathogenic for CEP164-related disorders. Last evaluated: 2021-12-01. Review status: criteria provided, single submitter. Criteria: ACMG Guidelines, 2015. Collection method: clinical testing. Allele origin: germline. Affected: yes. Observed: 1 variant allele.

Literature cited by the submitters: PubMed 16199547 (cited by Labcorp Genetics (formerly Invitae), Labcorp); PubMed 22863007 (cited by Labcorp Genetics (formerly Invitae), Labcorp); PubMed 28125082 (cited by Labcorp Genetics (formerly Invitae), Labcorp); PubMed 32367404 (cited by Labcorp Genetics (formerly Invitae), Labcorp); PubMed 34132027 (cited by Labcorp Genetics (formerly Invitae), Labcorp); PubMed 34499853 (cited by Labcorp Genetics (formerly Invitae), Labcorp).

NM_014956.5(CEP164):c.1934+1G>A

Gene: CEP164 (centrosomal protein 164; plus strand). Cytogenetic location: 11q23.3.
Variant type: single nucleotide variant.
Coding change: c.1934+1G>A on transcript NM_014956.5 (MANE Select); the canonical splice donor site of the intron after coding-DNA position 1934, G replaced by A.
Molecular consequence: splice donor variant.
Genome position (GRCh38, 1-based): chr11:117,387,413, G>A. VCF-style: chr11-117387413-G-A. GRCh37 (hg19) VCF-style: chr11-117258129-G-A.
Other names: c.1943+1G>A (NM_001271933.2).
Identifiers: ClinVar variation 1047792 (VCV001047792.9), dbSNP rs951827564, ClinGen allele CA229355606.
Genomic context (GRCh38, chr11:117,387,413, plus strand): 5'-GTGCCAAGAGGAGGAAGAGGAGATCCTCCGGCTTCACCAGCAGAAAGAGCAATCTCTCAG[G>A]TCCTGCCCTTCCCCTTAGGCATGCTTCCTGGGGCCTTTCAGGGATGTGAGGAGCCAGGGA-3'